The following is an entry in ClinVar:

ClinVar aggregate classification (germline): Uncertain significance. Review status: criteria provided, multiple submitters, no conflicts (2 of 4 stars). 3 submissions from 3 submitters: Uncertain significance (2). 1 of the submissions does not count toward it. Last evaluated 2025-08-09.

Conditions:
Usher syndrome type 1 (USH1). Also called: RETINITIS PIGMENTOSA AND CONGENITAL DEAFNESS. Identifiers: Orphanet 231169, Orphanet 886, MedGen C1568247, MONDO:0010168, OMIM 276900.
Usher syndrome type 1B (USH1B). Also called: Usher syndrome type IB. Identifiers: MedGen C1848638, MONDO:0700087.

Allele frequency attached by ClinVar (database versions not stated): TOPMed 0.00002.
gnomAD v4.1: 19 of 1,578,370 alleles (0.0012%); highest among the groups gnomAD compares: East Asian, 0.007%; no homozygotes.

Submissions (3):

Labcorp Genetics (formerly Invitae), Labcorp
Classification: Uncertain significance. Last evaluated: 2025-08-09. Review status: criteria provided, single submitter. Criteria: Invitae Variant Classification Sherloc (09022015). Collection method: clinical testing. Allele origin: germline.
Comment: This sequence change replaces arginine, which is basic and polar, with cysteine, which is neutral and slightly polar, at codon 1230 of the MYO7A protein (p.Arg1230Cys). The frequency data for this variant in the population databases is considered unreliable, as metrics indicate poor data quality at this position in the gnomAD database. This variant has not been reported in the literature in individuals affected with MYO7A-related conditions. ClinVar contains an entry for this variant (Variation ID: 837211). Invitae Evidence Modeling of protein sequence and biophysical properties (such as structural, functional, and spatial information, amino acid conservation, physicochemical variation, residue mobility, and thermodynamic stability) indicates that this missense variant is expected to disrupt MYO7A protein function with a positive predictive value of 95%. In summary, the available evidence is currently insufficient to determine the role of this variant in disease. Therefore, it has been classified as a Variant of Uncertain Significance.

Myriad Genetics, Inc.
Classification: Uncertain significance for Usher syndrome type 1. Last evaluated: 2025-08-04. Review status: criteria provided, single submitter. Criteria: Myriad Autosomal Dominant, Autosomal Recessive and X-Linked Classification Criteria (2023). Collection method: clinical testing. Allele origin: unknown.
Comment: NM_000260.3(MYO7A):c.3688C>T(R1230C) is a missense variant classified as a variant of uncertain significance in the context of MYO7A-related disorders. R1230C has been observed in a case with relevant disease (PMID: 34599366). Relevant functional assessments of this variant are not available in the literature. R1230C has been observed in referenced population frequency databases. In summary, there is insufficient evidence to classify NM_000260.3(MYO7A):c.3688C>T(R1230C) as pathogenic or benign. Please note: this variant was assessed in the context of healthy population screening.

Natera, Inc.
Classification: Uncertain significance for Usher syndrome type 1B. Last evaluated: 2020-04-16. Review status: no assertion criteria provided. Collection method: clinical testing. Allele origin: germline. Not counted in ClinVar's aggregate classification.

Literature cited by the submitters: PubMed 34599366 (cited by Myriad Genetics, Inc.).

NM_000260.4(MYO7A):c.3688C>T (p.Arg1230Cys)

Gene: MYO7A (myosin VIIA; plus strand). Cytogenetic location: 11q13.5.
Variant type: single nucleotide variant.
Coding change: c.3688C>T on transcript NM_000260.4 (MANE Select); coding-DNA position 3688, C replaced by T.
Protein change: p.Arg1230Cys; replaces arginine 1230 with cysteine.
Molecular consequence: missense variant.
Genome position (GRCh38, 1-based): chr11:77,190,077, C>T. VCF-style: chr11-77190077-C-T. GRCh37 (hg19) VCF-style: chr11-76901122-C-T.
Other names: c.3688C>T, p.Arg1230Cys (NM_001127180.2); c.3655C>T, p.Arg1219Cys (NM_001369365.1); short protein forms R1230C, R1219C.
Identifiers: ClinVar variation 837211 (VCV000837211.6), dbSNP rs776862829, ClinGen allele CA6198170.
Genomic context (GRCh38, chr11:77,190,077, plus strand): 5'-CAGTACCTGCGGAACTTCATCCACGGGGGCCCGCCCGGCTACGCCCCGTACTGTGAGGAG[C>T]GCCTGAGAAGGACCTTTGTCAATGGGACACGGACACAGCCGCCCAGCTGGCTGGAGCTGC-3'
Protein context (NP_000251.3, residues 1220-1240): PPGYAPYCEE[Arg1230Cys]LRRTFVNGTR